The following is an entry in ClinVar:

ClinVar aggregate classification (germline): Uncertain significance (1 of 4 stars; one submission).

Conditions:
Cardiovascular phenotype. Identifiers: MedGen CN230736.

Submission:

Ambry Genetics
Classification: Uncertain significance for Cardiovascular phenotype. Last evaluated: 2026-01-17. Review status: criteria provided, single submitter. Criteria: Ambry Variant Classification Scheme 2023. Collection method: clinical testing. Allele origin: germline.
Comment: The p.P2907T variant (also known as c.8719C>A), located in coding exon 2 of the ZNF469 gene, results from a C to A substitution at nucleotide position 8719. The proline at codon 2907 is replaced by threonine, an amino acid with highly similar properties. This amino acid position is conserved. In addition, this alteration is predicted to be tolerated by in silico analysis. Based on the available evidence, the clinical significance of this variant remains unclear.

NM_001127464.1:c.8719C>A

Gene: ZNF469 (zinc finger protein 469; plus strand).
Variant type: single nucleotide variant.
Identifiers: ClinVar variation 4844998 (VCV004844998.1).